The following is an entry in ClinVar:

ClinVar aggregate classification (germline): Likely pathogenic (1 of 4 stars; one submission).

Conditions:
Intellectual developmental disorder, autosomal dominant 1. Also called: Intellectual disability, autosomal dominant 1; MBD5 Haploinsufficiency. Identifiers: Orphanet 228402, MedGen C1969562, MONDO:0007974, OMIM 156200.

Submission:

MGZ Medical Genetics Center
Classification: Likely pathogenic for Intellectual developmental disorder, autosomal dominant 1. Last evaluated: 2022-05-10. Review status: criteria provided, single submitter. Criteria: ACMG Guidelines, 2015. Collection method: clinical testing. Allele origin: germline. Affected: yes. Observed: 1 variant allele.
Comment: ACMG criteria applied: PVS1, PM2_SUP

NM_001378120.1(MBD5):c.2012_2013del (p.Arg671fs)

Gene: MBD5 (methyl-CpG binding domain protein 5; plus strand). Cytogenetic location: 2q23.1.
Variant type: Deletion.
Coding change: c.2012_2013del on transcript NM_001378120.1 (MANE Select); coding-DNA positions 2012 to 2013, 2 bases deleted (GA; older notation c.2012_2013delGA).
Protein change: p.Arg671fs; shifts the reading frame from arginine 671.
Molecular consequence: frameshift variant.
Genome position (GRCh38, 1-based): chr2:148,469,955-148,469,956, GA deleted; deleting any 2 consecutive bases within chr2:148,469,954-148,469,956 gives the same sequence; the c. name uses the placement nearest the transcript's 3' end. VCF-style (leftmost placement, unchanged base first): chr2-148469953-CAG-C. GRCh37 (hg19) VCF-style: chr2-149227522-CAG-C.
Other names: c.2012_2013del, p.Arg671fs (NM_018328.5); short protein forms R671fs.
Identifiers: ClinVar variation 1709411 (VCV001709411.2), dbSNP rs2469872310, ClinGen allele CA2580063864.